The following is an entry in ClinVar:

NM_212559.3(XKRX):c.1107C>T (p.Phe369=)

Gene: XKRX (XK related X-linked; minus strand). Cytogenetic location: Xq22.1.
Variant type: single nucleotide variant.
Coding change: c.1107C>T on transcript NM_212559.3 (MANE Select); coding-DNA position 1107, C replaced by T.
Protein change: p.Phe369=; no amino-acid change (phenylalanine 369 retained).
Molecular consequence: synonymous variant.
Genome position (GRCh38, 1-based): chrX:100,914,581, G>A on the plus strand (C>T on the coding strand, the complement: XKRX is on the minus strand). VCF-style: chrX-100914581-G-A. GRCh37 (hg19) VCF-style: chrX-100169570-G-A.
Identifiers: ClinVar variation 2661046 (VCV002661046.24), dbSNP rs2521851813, ClinGen allele CA517749692.

ClinVar aggregate classification (germline): Likely benign (1 of 4 stars; one submission).

Submission:

CeGaT Center for Human Genetics Tuebingen
Classification: Likely benign. Last evaluated: 2023-11-01. Review status: criteria provided, single submitter. Criteria: CeGaT Center For Human Genetics Tuebingen Variant Classification Criteria Version 2. Collection method: clinical testing. Allele origin: germline. Affected: yes. Observed: 1 variant allele.
Comment: XKRX: PM2:Supporting, BP4, BP7